The following is an entry in ClinVar:

NM_006648.4(WNK2):c.3849C>G (p.Cys1283Trp)

Gene: WNK2 (WNK lysine deficient protein kinase 2; plus strand). Cytogenetic location: 9q22.31.
Variant type: single nucleotide variant.
Coding change: c.3849C>G on transcript NM_006648.4 (MANE Select); coding-DNA position 3849, C replaced by G.
Protein change: p.Cys1283Trp; replaces cysteine 1283 with tryptophan.
Molecular consequence: missense variant.
Genome position (GRCh38, 1-based): chr9:93,267,898, C>G. VCF-style: chr9-93267898-C-G. GRCh37 (hg19) VCF-style: chr9-96030180-C-G.
Other names: c.3849C>G, p.Cys1283Trp (NM_001282394.3); short protein forms C1283W.
Identifiers: ClinVar variation 3470180 (VCV003470180.1).

ClinVar aggregate classification (germline): Uncertain significance (1 of 4 stars; one submission).

gnomAD v4.1: 11 of 1,612,326 alleles (0.00068%); highest among the groups gnomAD compares: Admixed American, 0.005%; no homozygotes.

Submission:

Ambry Genetics
Classification: Uncertain significance. Last evaluated: 2024-11-18. Review status: criteria provided, single submitter. Criteria: Ambry Variant Classification Scheme 2023. Collection method: clinical testing. Allele origin: germline.
Comment: The p.C1283W variant (also known as c.3849C>G), located in coding exon 16 of the WNK2 gene, results from a C to G substitution at nucleotide position 3849. The cysteine at codon 1283 is replaced by tryptophan, an amino acid with highly dissimilar properties. This amino acid position is conserved. In addition, this alteration is predicted to be tolerated by in silico analysis. Based on the available evidence, the clinical significance of this variant remains unclear.